The following is an entry in ClinVar:

NM_000038.6(APC):c.5103A>T (p.Gln1701His)

Gene: APC (APC regulator of Wnt signaling pathway; plus strand). Cytogenetic location: 5q22.2.
Variant type: single nucleotide variant.
Coding change: c.5103A>T on transcript NM_000038.6 (MANE Select); coding-DNA position 5103, A replaced by T.
Protein change: p.Gln1701His; replaces glutamine 1701 with histidine.
Molecular consequence: missense variant.
Genome position (GRCh38, 1-based): chr5:112,840,697, A>T. VCF-style: chr5-112840697-A-T. GRCh37 (hg19) VCF-style: chr5-112176394-A-T.
Other names: c.5103A>T, p.Gln1701His (NM_001127510.3, NM_001354895.2, NM_001407450.1); c.5049A>T, p.Gln1683His (NM_001127511.3); c.5157A>T, p.Gln1719His (NM_001354896.2, NM_001407447.1, NM_001407448.1 and 1 more transcripts); c.5133A>T, p.Gln1711His (NM_001354897.2); c.5028A>T, p.Gln1676His (NM_001354898.2); c.5019A>T, p.Gln1673His (NM_001354899.2); c.4980A>T, p.Gln1660His (NM_001354900.2); c.4926A>T, p.Gln1642His (NM_001354901.2, NM_001407453.1); and 11 more; short protein forms Q1711H, Q1719H, Q1729H, Q1575H, Q1610H, Q1676H, Q1694H, Q1317H.
Identifiers: ClinVar variation 1745364 (VCV001745364.2), dbSNP rs1765847340, ClinGen allele CA16032489.
Genomic context (GRCh38, chr5:112,840,697, plus strand): 5'-AGGTGAATTTGAAAAACGAGATACCATTCCTACAGAAGGCAGAAGTACAGATGAGGCTCA[A>T]GGAGGAAAAACCTCATCTGTAACCATACCTGAATTGGATGACAATAAAGCAGAGGAAGGT-3'
Protein context (NP_000029.2, residues 1691-1711): PTEGRSTDEA[Gln1701His]GGKTSSVTIP

ClinVar aggregate classification (germline): Uncertain significance (1 of 4 stars; one submission).

Conditions:
Hereditary cancer-predisposing syndrome. Also called: Hereditary Cancer Syndrome; Neoplastic Syndromes, Hereditary; Tumor predisposition; Hereditary neoplastic syndrome. Identifiers: Orphanet 140162, MedGen C0027672, MeSH D009386, MONDO:0015356.

Submission:

Ambry Genetics
Classification: Uncertain significance for Hereditary cancer-predisposing syndrome. Last evaluated: 2022-03-01. Review status: criteria provided, single submitter. Criteria: Ambry Variant Classification Scheme 2023. Collection method: clinical testing. Allele origin: germline.
Comment: The p.Q1701H variant (also known as c.5103A>T), located in coding exon 15 of the APC gene, results from an A to T substitution at nucleotide position 5103. The glutamine at codon 1701 is replaced by histidine, an amino acid with highly similar properties. This amino acid position is conserved. In addition, in silico predictors for this gene do not accurately predict pathogenicity. Since supporting evidence is limited at this time, the clinical significance of this alteration remains unclear.